The following is an entry in ClinVar:

ClinVar aggregate classification (germline): Benign (0 of 4 stars; one submission).

Conditions:
WDPCP-related disorder. Also called: WDPCP-related condition.

Allele frequency attached by ClinVar (database versions not stated): gnomAD exomes 0.80000; gnomAD 0.80102; TOPMed 0.81019; 1000 Genomes Project 0.87520; 1000 Genomes Project 30x 0.87648.
gnomAD v4.1: 121,861 of 152,218 alleles (80%); highest among the groups gnomAD compares: East Asian, 97%; 49,636 homozygotes.

Submission:

PreventionGenetics, part of Exact Sciences
Classification: Benign for WDPCP-related condition. Last evaluated: 2021-02-24. Review status: no assertion criteria provided. Collection method: clinical testing. Allele origin: germline.
Comment: This variant is classified as benign based on ACMG/AMP sequence variant interpretation guidelines (Richards et al. 2015 PMID: 25741868, with internal and published modifications).

NM_015910.7(WDPCP):c.1748+18364T>C

Gene: WDPCP (WD repeat containing planar cell polarity effector; minus strand). Cytogenetic location: 2p15.
Variant type: single nucleotide variant.
Coding change: c.1748+18364T>C on transcript NM_015910.7 (MANE Select); 18364 bases into the intron after coding-DNA position 1748, T replaced by C.
Molecular consequence: intron variant. On other transcripts: synonymous variant (1).
Genome position (GRCh38, 1-based): chr2:63,360,022, A>G on the plus strand (T>C on the coding strand, the complement: WDPCP is on the minus strand). VCF-style: chr2-63360022-A-G. GRCh37 (hg19) VCF-style: chr2-63587157-A-G.
Other names: c.1803T>C, p.His601= (NM_001354045.2); c.1676+18364T>C (NM_001354044.2); c.1271+18364T>C (NM_001042692.3).
Identifiers: ClinVar variation 3060135 (VCV003060135.2), dbSNP rs1829261, ClinGen allele CA11015489.